The following is an entry in ClinVar:

ClinVar aggregate classification (germline): Conflicting classifications of pathogenicity. Review status: criteria provided, conflicting classifications (1 of 4 stars). 7 submissions from 7 submitters: Uncertain significance (1); Benign (1); Likely benign (3). 2 of the submissions do not count toward it. Last evaluated 2026-09-01.

Conditions:
LRPPRC-related disorder. Also called: LRPPRC-related condition.
Congenital lactic acidosis, Saguenay-Lac-Saint-Jean type (MC4DN5). Also called: CYTOCHROME c OXIDASE DEFICIENCY, FRENCH CANADIAN TYPE; COX DEFICIENCY, FRENCH CANADIAN TYPE; MITOCHONDRIAL COMPLEX IV DEFICIENCY, NUCLEAR TYPE 5. Identifiers: Orphanet 70472, MedGen C1857355, MONDO:0009069, OMIM 220111.

Allele frequency attached by ClinVar (database versions not stated): ESP Exome Variant Server 0.00062; gnomAD exomes 0.00063 and 0.00101; gnomAD 0.00072 and 0.00074; ExAC 0.00078; TOPMed 0.00082.
gnomAD v4.1: 1,049 of 1,588,248 alleles (0.066%); highest among the groups gnomAD compares: Middle Eastern, 0.93%; 2 homozygotes.

Submissions (7):

CeGaT Center for Human Genetics Tuebingen
Classification: Likely benign. Last evaluated: 2026-09-01. Review status: criteria provided, single submitter. Criteria: CeGaT Center For Human Genetics Tuebingen Variant Classification Criteria Version 2. Collection method: clinical testing. Allele origin: germline. Affected: yes. Observed: 7 variant alleles.
Comment: LRPPRC: BP4

Labcorp Genetics (formerly Invitae), Labcorp
Classification: Benign. Last evaluated: 2026-02-02. Review status: criteria provided, single submitter. Criteria: Invitae Variant Classification Sherloc (09022015). Collection method: clinical testing. Allele origin: germline.

PreventionGenetics, part of Exact Sciences
Classification: Likely benign for LRPPRC-related condition. Last evaluated: 2025-06-18. Review status: criteria provided, single submitter. Criteria: ACMG Guidelines, 2015. Collection method: clinical testing. Allele origin: germline.
Comment: This variant is classified as likely benign based on ACMG/AMP sequence variant interpretation guidelines (Richards et al. 2015 PMID: 25741868, with internal and published modifications).

Blueprint Genetics
Classification: Likely benign. Last evaluated: 2024-11-08. Review status: criteria provided, single submitter. Criteria: ACMG Guidelines, 2015. Collection method: clinical testing. Allele origin: germline.

Illumina Laboratory Services, Illumina
Classification: Uncertain significance for Congenital lactic acidosis, Saguenay-Lac-Saint-Jean type. Last evaluated: 2017-04-28. Review status: criteria provided, single submitter. Criteria: ICSL Variant Classification Criteria 13 December 2019. Collection method: clinical testing. Allele origin: germline.

Natera, Inc.
Classification: Likely benign for French-Canadian type Leigh syndrome. Last evaluated: 2020-06-06. Review status: no assertion criteria provided. Collection method: clinical testing. Allele origin: germline. Not counted in ClinVar's aggregate classification.

Mayo Clinic Laboratories, Mayo Clinic
Classification: Likely benign. Last evaluated: 2017-07-31. Review status: no assertion criteria provided. Collection method: clinical testing. Allele origin: unknown. Not counted in ClinVar's aggregate classification.

NM_133259.4(LRPPRC):c.1928A>G (p.His643Arg)

Gene: LRPPRC (leucine rich pentatricopeptide repeat containing; minus strand). Cytogenetic location: 2p21.
Variant type: single nucleotide variant.
Coding change: c.1928A>G on transcript NM_133259.4 (MANE Select); coding-DNA position 1928, A replaced by G.
Protein change: p.His643Arg; replaces histidine 643 with arginine.
Molecular consequence: missense variant.
Genome position (GRCh38, 1-based): chr2:43,947,768, T>C on the plus strand (A>G on the coding strand, the complement: LRPPRC is on the minus strand). VCF-style: chr2-43947768-T-C. GRCh37 (hg19) VCF-style: chr2-44174907-T-C.
Other names: short protein forms H643R.
Identifiers: ClinVar variation 214589 (VCV000214589.63), dbSNP rs148575027, ClinGen allele CA319900.
Genomic context (GRCh38, chr2:43,947,768, plus strand): 5'-AATCTAGTCAAAATCCTACTTACTTTTTGAAAGTCTAAATTCTTACTCTCAACCAACAAG[T>C]GAGCATCCTAAAATTGAAATTTAAATTAGCCCAGAATTAGAAAACACACGTAAAAATACA-3'
Protein context (NP_573566.2, residues 633-653): YHVPELIKDA[His643Arg]LLVESKNLDF